The following is an entry in ClinVar:

ClinVar aggregate classification (germline): Uncertain significance (1 of 4 stars; one submission).

Conditions:
Surfactant metabolism dysfunction, pulmonary, 4 (SMDP4). Also called: CSF2RA DEFICIENCY; PAP DUE TO CSF2RA DEFICIENCY; PULMONARY ALVEOLAR PROTEINOSIS, CONGENITAL, 4. Identifiers: Orphanet 264675, MedGen C2677877, MONDO:0010424, OMIM 300770.

Allele frequency attached by ClinVar (database versions not stated): gnomAD exomes below 0.00001 and 0.00001; TOPMed below 0.00001; gnomAD 0.00001.
gnomAD v4.1: 4 of 1,613,808 alleles (0.00025%); highest among the groups gnomAD compares: Non-Finnish European, 0.00025%; no homozygotes.

Submission:

Labcorp Genetics (formerly Invitae), Labcorp
Classification: Uncertain significance for Surfactant metabolism dysfunction, pulmonary, 4. Last evaluated: 2021-03-07. Review status: criteria provided, single submitter. Criteria: Invitae Variant Classification Sherloc (09022015). Collection method: clinical testing. Allele origin: germline.
Comment: This variant is not present in population databases (ExAC no frequency). In summary, the available evidence is currently insufficient to determine the role of this variant in disease. Therefore, it has been classified as a Variant of Uncertain Significance. Algorithms developed to predict the effect of missense changes on protein structure and function output the following: SIFT: "Tolerated"; PolyPhen-2: "Benign"; Align-GVGD: "Class C0". The arginine amino acid residue is found in multiple mammalian species, suggesting that this missense change does not adversely affect protein function. These predictions have not been confirmed by published functional studies and their clinical significance is uncertain. This variant has not been reported in the literature in individuals with CSF2RA-related conditions. This sequence change replaces lysine with arginine at codon 291 of the CSF2RA protein (p.Lys291Arg). The lysine residue is moderately conserved and there is a small physicochemical difference between lysine and arginine.

NM_172245.4(CSF2RA):c.872A>G (p.Lys291Arg)

Gene: CSF2RA (colony stimulating factor 2 receptor subunit alpha; plus strand). Cytogenetic location: Xp22.33.
Variant type: single nucleotide variant.
Coding change: c.872A>G on transcript NM_172245.4 (MANE Select); coding-DNA position 872, A replaced by G.
Protein change: p.Lys291Arg; replaces lysine 291 with arginine.
Molecular consequence: missense variant. On other transcripts: intron variant (2).
Genome position (GRCh38, 1-based): chrX:1,300,552, A>G. VCF-style: chrX-1300552-A-G. GRCh37 (hg19) VCF-style: chrX-1419445-A-G.
Other names: c.842A>G, p.Lys281Arg (NM_001379160.1); c.872A>G, p.Lys291Arg (NM_001379161.1, NM_001379162.1, NM_001379163.1 and 17 more transcripts); c.473A>G, p.Lys158Arg (NM_001161532.2); c.647-4894A>G (NM_172249.4); c.854+1487A>G (NM_001379166.1); short protein forms K291R, K158R, K281R.
Identifiers: ClinVar variation 1392019 (VCV001392019.6), dbSNP rs1250271206, ClinGen allele CA412236371.